The following is an entry in ClinVar:

ClinVar aggregate classification (germline): Uncertain significance (1 of 4 stars; one submission).

Conditions:
Pierson syndrome. Also called: MICROCORIA-CONGENITAL NEPHROTIC SYNDROME. Identifiers: Orphanet 2670, MedGen C1836876, MONDO:0012184, OMIM 609049.
LAMB2-related infantile-onset nephrotic syndrome. Also called: Nephrotic Syndrome, type 5; NEPHROTIC SYNDROME, TYPE 5, WITHOUT OCULAR ABNORMALITIES; NEPHROTIC SYNDROME, TYPE 5, WITH OCULAR ABNORMALITIES. Identifiers: Orphanet 306507, MedGen C3280113, MONDO:0013621, OMIM 614199.

Allele frequency attached by ClinVar (database versions not stated): ExAC 0.00001.

Submission:

Labcorp Genetics (formerly Invitae), Labcorp
Classification: Uncertain significance for LAMB2-related infantile-onset nephrotic syndrome; Pierson syndrome. Last evaluated: 2021-08-12. Review status: criteria provided, single submitter. Criteria: Invitae Variant Classification Sherloc (09022015). Collection method: clinical testing. Allele origin: germline.
Comment: In summary, the available evidence is currently insufficient to determine the role of this variant in disease. Therefore, it has been classified as a Variant of Uncertain Significance. Algorithms developed to predict the effect of missense changes on protein structure and function (SIFT, PolyPhen-2, Align-GVGD) all suggest that this variant is likely to be disruptive. This variant has not been reported in the literature in individuals affected with LAMB2-related conditions. This variant is present in population databases (rs774018819, ExAC 0.009%). This sequence change replaces cysteine with arginine at codon 1143 of the LAMB2 protein (p.Cys1143Arg). The cysteine residue is highly conserved and there is a large physicochemical difference between cysteine and arginine.

NM_002292.4(LAMB2):c.3427T>C (p.Cys1143Arg)

Gene: LAMB2 (laminin subunit beta 2; minus strand). Cytogenetic location: 3p21.31.
Variant type: single nucleotide variant.
Coding change: c.3427T>C on transcript NM_002292.4 (MANE Select); coding-DNA position 3427, T replaced by C.
Protein change: p.Cys1143Arg; replaces cysteine 1143 with arginine.
Molecular consequence: missense variant.
Genome position (GRCh38, 1-based): chr3:49,124,098, A>G on the plus strand (T>C on the coding strand, the complement: LAMB2 is on the minus strand). VCF-style: chr3-49124098-A-G. GRCh37 (hg19) VCF-style: chr3-49161531-A-G.
Other names: short protein forms C1143R.
Identifiers: ClinVar variation 1496473 (VCV001496473.6), dbSNP rs774018819, ClinGen allele CA2394039.